The following is an entry in ClinVar:

NM_001160148.2(DDHD1):c.37G>A (p.Glu13Lys)

Gene: DDHD1 (DDHD domain containing 1; minus strand). Cytogenetic location: 14q22.1.
Variant type: single nucleotide variant.
Coding change: c.37G>A on transcript NM_001160148.2 (MANE Select); coding-DNA position 37, G replaced by A.
Protein change: p.Glu13Lys; replaces glutamic acid 13 with lysine.
Molecular consequence: missense variant.
Genome position (GRCh38, 1-based): chr14:53,153,062, C>T on the plus strand (G>A on the coding strand, the complement: DDHD1 is on the minus strand). VCF-style: chr14-53153062-C-T. GRCh37 (hg19) VCF-style: chr14-53619780-C-T.
Other names: c.37G>A, p.Glu13Lys (NM_001160147.2, NM_030637.3); short protein forms E13K.
Identifiers: ClinVar variation 1966075 (VCV001966075.5), dbSNP rs1316038559, ClinGen allele CA389782110.

ClinVar aggregate classification (germline): Uncertain significance (1 of 4 stars; one submission).

Conditions:
Hereditary spastic paraplegia 28. Also called: Spastic paraplegia 28, autosomal recessive. Identifiers: Orphanet 101008, MedGen C1836295, MONDO:0012256, OMIM 609340.

Allele frequency attached by ClinVar (database versions not stated): TOPMed below 0.00001.
gnomAD v4.1: 3 of 1,479,900 alleles (0.0002%); highest among the groups gnomAD compares: South Asian, 0.0027%; no homozygotes.

Submission:

Labcorp Genetics (formerly Invitae), Labcorp
Classification: Uncertain significance for Hereditary spastic paraplegia 28. Last evaluated: 2022-06-18. Review status: criteria provided, single submitter. Criteria: Invitae Variant Classification Sherloc (09022015). Collection method: clinical testing. Allele origin: germline.
Comment: In summary, the available evidence is currently insufficient to determine the role of this variant in disease. Therefore, it has been classified as a Variant of Uncertain Significance. Algorithms developed to predict the effect of missense changes on protein structure and function are either unavailable or do not agree on the potential impact of this missense change (SIFT: "Tolerated"; PolyPhen-2: "Probably Damaging"; Align-GVGD: "Class C0"). This variant has not been reported in the literature in individuals affected with DDHD1-related conditions. This variant is not present in population databases (gnomAD no frequency). This sequence change replaces glutamic acid, which is acidic and polar, with lysine, which is basic and polar, at codon 13 of the DDHD1 protein (p.Glu13Lys).